The following is an entry in ClinVar:

NM_058195.4(CDKN2A):c.100T>G (p.Trp34Gly)

Gene: CDKN2A (cyclin dependent kinase inhibitor 2A; minus strand). Cytogenetic location: 9p21.3.
Variant type: single nucleotide variant.
Coding change: c.100T>G on transcript NM_058195.4 (MANE Plus Clinical); coding-DNA position 100, T replaced by G.
Protein change: p.Trp34Gly; replaces tryptophan 34 with glycine.
Molecular consequence: missense variant. On other transcripts: intron variant (1).
Genome position (GRCh38, 1-based): chr9:21,994,232, A>C on the plus strand (T>G on the coding strand, the complement: CDKN2A is on the minus strand). VCF-style: chr9-21994232-A-C. GRCh37 (hg19) VCF-style: chr9-21994231-A-C.
Other names: c.-4+589T>G (NM_001363763.2); short protein forms W34G.
Identifiers: ClinVar variation 1428012 (VCV001428012.5), dbSNP rs765285880, ClinGen allele CA5012387.

ClinVar aggregate classification (germline): Uncertain significance. Review status: criteria provided, multiple submitters, no conflicts (2 of 4 stars). 2 submissions from 2 submitters: Uncertain significance (2). Last evaluated 2025-05-07.

Conditions:
Familial melanoma. Also called: Hereditary melanoma; Hereditary cutaneous melanoma. Identifiers: Orphanet 618, MedGen C1512419, MONDO:0018961.
Hereditary cancer-predisposing syndrome. Also called: Tumor predisposition; Neoplastic Syndromes, Hereditary; Hereditary Cancer Syndrome; Hereditary neoplastic syndrome. Identifiers: Orphanet 140162, MedGen C0027672, MeSH D009386, MONDO:0015356.

Allele frequency attached by ClinVar (database versions not stated): gnomAD 0.00001.
gnomAD v4.1: 25 of 1,604,910 alleles (0.0016%); highest among the groups gnomAD compares: Non-Finnish European, 0.0021%; no homozygotes.

Submissions (2):

Ambry Genetics
Classification: Uncertain significance for Hereditary cancer-predisposing syndrome. Last evaluated: 2025-05-07. Review status: criteria provided, single submitter. Criteria: Ambry Variant Classification Scheme 2023. Collection method: clinical testing. Allele origin: germline.
Comment: The p.W34G variant (also known as c.100T>G), located in coding exon 1 of the CDKN2A (p14ARF) gene, results from a T to G substitution at nucleotide position 100. The tryptophan at codon 34 is replaced by glycine, an amino acid with highly dissimilar properties. This amino acid position is not well conserved in available vertebrate species. Based on the available evidence, the clinical significance of this variant remains unclear.

Labcorp Genetics (formerly Invitae), Labcorp
Classification: Uncertain significance for Familial melanoma. Last evaluated: 2021-10-21. Review status: criteria provided, single submitter. Criteria: Invitae Variant Classification Sherloc (09022015). Collection method: clinical testing. Allele origin: germline.
Comment: This sequence change replaces tryptophan with glycine at codon 34 of the CDKN2A (p14ARF) protein (p.Trp34Gly). The tryptophan residue is moderately conserved and there is a large physicochemical difference between tryptophan and glycine. This variant is present in population databases (rs765285880, ExAC 0.002%). This variant has not been reported in the literature in individuals affected with CDKN2A (p14ARF)-related conditions. Algorithms developed to predict the effect of missense changes on protein structure and function output the following: SIFT: "Tolerated"; PolyPhen-2: "Possibly Damaging"; Align-GVGD: "Class C0". The glycine amino acid residue is found in multiple mammalian species, which suggests that this missense change does not adversely affect protein function. In summary, the available evidence is currently insufficient to determine the role of this variant in disease. Therefore, it has been classified as a Variant of Uncertain Significance.